The following is an entry in ClinVar:

NM_000487.6(ARSA):c.586del (p.Leu196fs)

Gene: ARSA (arylsulfatase A; minus strand). Cytogenetic location: 22q13.33.
Variant type: Deletion.
Coding change: c.586del on transcript NM_000487.6 (MANE Select); coding-DNA position 586, one base deleted (C; older notation c.586delC).
Protein change: p.Leu196fs; shifts the reading frame from leucine 196.
Molecular consequence: frameshift variant.
Genome position (GRCh38, 1-based): chr22:50,626,932, G deleted on the plus strand (C on the coding strand, the reverse complement: ARSA is on the minus strand). VCF-style (leftmost placement, unchanged base first): chr22-50626931-AG-A. GRCh37 (hg19) VCF-style: chr22-51065359-AG-A.
Other names: c.586del, p.Leu196fs (NM_001085425.3, NM_001085426.3, NM_001085427.3); c.328del, p.Leu110fs (NM_001085428.3, NM_001362782.2); c.586delC (NM_000487.6); short protein forms L196fs, L110fs.
Identifiers: ClinVar variation 3638801 (VCV003638801.3).

ClinVar aggregate classification (germline): Pathogenic/Likely pathogenic. Review status: criteria provided, multiple submitters, no conflicts (2 of 4 stars). 2 submissions from 2 submitters: Pathogenic (1); Likely pathogenic (1). Last evaluated 2025-06-04.

Conditions:
Metachromatic leukodystrophy (MLD). Also called: ARSA DEFICIENCY; CEREBROSIDE SULFATASE DEFICIENCY; METACHROMATIC LEUKOENCEPHALOPATHY; SULFATIDE LIPIDOSIS; Cerebral sclerosis diffuse metachromatic form; Arylsulfatase A Deficiency. Identifiers: Orphanet 512, MedGen C0023522, MONDO:0018868, OMIM 250100.

Submissions (2):

First Genomix Gene Laboratory, Genetic Diagnostics Department
Classification: Likely pathogenic for Metachromatic leukodystrophy. Last evaluated: 2025-06-04. Review status: criteria provided, single submitter. Criteria: ACMG Guidelines, 2015. Collection method: clinical testing. Allele origin: germline. Inheritance: Autosomal recessive inheritance. Affected: no. Observed: 1 variant allele.

Labcorp Genetics (formerly Invitae), Labcorp
Classification: Pathogenic for Metachromatic leukodystrophy. Last evaluated: 2024-02-04. Review status: criteria provided, single submitter. Criteria: Invitae Variant Classification Sherloc (09022015). Collection method: clinical testing. Allele origin: germline.
Comment: This sequence change creates a premature translational stop signal (p.Leu196Cysfs*4) in the ARSA gene. It is expected to result in an absent or disrupted protein product. Loss-of-function variants in ARSA are known to be pathogenic (PMID: 8962139, 10477432). This variant is not present in population databases (gnomAD no frequency). This variant has not been reported in the literature in individuals affected with ARSA-related conditions. For these reasons, this variant has been classified as Pathogenic.

Literature cited by the submitters: PubMed 8962139 (cited by Labcorp Genetics (formerly Invitae), Labcorp); PubMed 10477432 (cited by Labcorp Genetics (formerly Invitae), Labcorp).